The following is an entry in ClinVar:

NM_007194.4(CHEK2):c.552T>A (p.Asn184Lys)

Gene: CHEK2 (checkpoint kinase 2; minus strand). Cytogenetic location: 22q12.1.
Variant type: single nucleotide variant.
Coding change: c.552T>A on transcript NM_007194.4 (MANE Select); coding-DNA position 552, T replaced by A.
Protein change: p.Asn184Lys; replaces asparagine 184 with lysine.
Molecular consequence: missense variant. On other transcripts: 5 prime UTR variant (2), intron variant (1).
Genome position (GRCh38, 1-based): chr22:28,725,017, A>T on the plus strand (T>A on the coding strand, the complement: CHEK2 is on the minus strand). VCF-style: chr22-28725017-A-T. GRCh37 (hg19) VCF-style: chr22-29121005-A-T.
Other names: c.681T>A, p.Asn227Lys (NM_001005735.3, NM_001438294.1); c.-226T>A (NM_001257387.3); c.-112T>A (NM_001437942.1); c.645T>A, p.Asn215Lys (NM_001438293.1, NM_001438295.1); c.552T>A, p.Asn184Lys (NM_145862.3); c.445-94T>A (NM_001349956.3); short protein forms N227K, N184K, N215K.
Identifiers: ClinVar variation 1748136 (VCV001748136.8), dbSNP rs2146057969, ClinGen allele CA411107167.
Genomic context (GRCh38, chr22:28,725,017, plus strand): 5'-CCATAAGATAATAATATTACCTTTATTTCTGCTTAGTGACAGTGCAATTTCAGAATTGTT[A>T]TTCAAAGGACGGCGTTTTCCTTTCCCTACAAGCTCTGTATTTACAAAGGTTCCATTGCCA-3'
Protein context (NP_009125.1, residues 174-194): LVGKGKRRPL[Asn184Lys]NNSEIALSLS

ClinVar aggregate classification (germline): Uncertain significance. Review status: criteria provided, multiple submitters, no conflicts (2 of 4 stars). 3 submissions from 3 submitters: Uncertain significance (3). Last evaluated 2025-04-01.

Conditions:
Hereditary cancer-predisposing syndrome. Also called: Hereditary Cancer Syndrome; Hereditary neoplastic syndrome; Neoplastic Syndromes, Hereditary; Tumor predisposition. Identifiers: Orphanet 140162, MedGen C0027672, MeSH D009386, MONDO:0015356.
Familial cancer of breast. Also called: BREAST CANCER, FAMILIAL; hereditary breast carcinoma; Hereditary breast cancer. Identifiers: Orphanet 227535, MedGen C0346153, MONDO:0016419, OMIM 114480. Disease mechanism: loss of function.

Submissions (3):

Labcorp Genetics (formerly Invitae), Labcorp
Classification: Uncertain significance for Familial cancer of breast. Last evaluated: 2025-04-01. Review status: criteria provided, single submitter. Criteria: Invitae Variant Classification Sherloc (09022015). Collection method: clinical testing. Allele origin: germline.
Comment: This sequence change replaces asparagine, which is neutral and polar, with lysine, which is basic and polar, at codon 184 of the CHEK2 protein (p.Asn184Lys). This variant is not present in population databases (gnomAD no frequency). This variant has not been reported in the literature in individuals affected with CHEK2-related conditions. ClinVar contains an entry for this variant (Variation ID: 1748136). An algorithm developed to predict the effect of missense changes on protein structure and function (PolyPhen-2) suggests that this variant is likely to be tolerated. In summary, the available evidence is currently insufficient to determine the role of this variant in disease. Therefore, it has been classified as a Variant of Uncertain Significance.

Baylor Genetics
Classification: Uncertain significance for Familial cancer of breast. Last evaluated: 2023-10-30. Review status: criteria provided, single submitter. Criteria: ACMG Guidelines, 2015. Collection method: clinical testing. Allele origin: unknown.

Ambry Genetics
Classification: Uncertain significance for Hereditary cancer-predisposing syndrome. Last evaluated: 2020-06-19. Review status: criteria provided, single submitter. Criteria: Ambry Variant Classification Scheme 2023. Collection method: clinical testing. Allele origin: germline.
Comment: The p.N184K variant (also known as c.552T>A), located in coding exon 3 of the CHEK2 gene, results from a T to A substitution at nucleotide position 552. The asparagine at codon 184 is replaced by lysine, an amino acid with similar properties. This amino acid position is not well conserved in available vertebrate species. In addition, this alteration is predicted to be tolerated by in silico analysis. Since supporting evidence is limited at this time, the clinical significance of this alteration remains unclear.